The following is an entry in ClinVar:

NM_005591.4(MRE11):c.1574G>A (p.Arg525Lys)

Gene: MRE11 (MRE11 double strand break repair nuclease; minus strand). Cytogenetic location: 11q21.
Variant type: single nucleotide variant.
Coding change: c.1574G>A on transcript NM_005591.4 (MANE Select); coding-DNA position 1574, G replaced by A.
Protein change: p.Arg525Lys; replaces arginine 525 with lysine.
Molecular consequence: missense variant.
Genome position (GRCh38, 1-based): chr11:94,447,428, C>T on the plus strand (G>A on the coding strand, the complement: MRE11 is on the minus strand). VCF-style: chr11-94447428-C-T. GRCh37 (hg19) VCF-style: chr11-94180594-C-T.
Other names: c.1574G>A, p.Arg525Lys (NM_001330347.2, NM_005590.4); short protein forms R525K.
Identifiers: ClinVar variation 185426 (VCV000185426.17), dbSNP rs773275841, ClinGen allele CA191919.

ClinVar aggregate classification (germline): Uncertain significance. Review status: criteria provided, multiple submitters, no conflicts (2 of 4 stars). 4 submissions from 4 submitters: Uncertain significance (3). 1 of the submissions does not count toward it. Last evaluated 2025-02-15.

Conditions:
Ataxia-telangiectasia-like disorder (ATLD). Identifiers: MedGen C1858391, MONDO:0011457.
Hereditary cancer-predisposing syndrome. Also called: Hereditary neoplastic syndrome; Neoplastic Syndromes, Hereditary; Tumor predisposition; Hereditary Cancer Syndrome. Identifiers: Orphanet 140162, MedGen C0027672, MeSH D009386, MONDO:0015356.
Ataxia-telangiectasia-like disorder 1 (ATLD1). Identifiers: Orphanet 251347, MedGen C4012790, MONDO:0024557, OMIM 604391.

Allele frequency attached by ClinVar (database versions not stated): TOPMed below 0.00001; ExAC 0.00001; gnomAD exomes 0.00001 and 0.00003; gnomAD 0.00002.
gnomAD v4.1: 41 of 1,613,892 alleles (0.0025%); highest among the groups gnomAD compares: Non-Finnish European, 0.0031%; no homozygotes.

Submissions (4):

Labcorp Genetics (formerly Invitae), Labcorp
Classification: Uncertain significance for Ataxia-telangiectasia-like disorder. Last evaluated: 2025-02-15. Review status: criteria provided, single submitter. Criteria: Invitae Variant Classification Sherloc (09022015). Collection method: clinical testing. Allele origin: germline.
Comment: This sequence change replaces arginine, which is basic and polar, with lysine, which is basic and polar, at codon 525 of the MRE11 protein (p.Arg525Lys). This variant is present in population databases (rs773275841, gnomAD 0.008%). This variant has not been reported in the literature in individuals affected with MRE11-related conditions. ClinVar contains an entry for this variant (Variation ID: 185426). An algorithm developed to predict the effect of missense changes on protein structure and function (PolyPhen-2) suggests that this variant is likely to be tolerated. In summary, the available evidence is currently insufficient to determine the role of this variant in disease. Therefore, it has been classified as a Variant of Uncertain Significance.

Ambry Genetics
Classification: Uncertain significance for Hereditary cancer-predisposing syndrome. Last evaluated: 2024-08-16. Review status: criteria provided, single submitter. Criteria: Ambry Variant Classification Scheme 2023. Collection method: clinical testing. Allele origin: germline.
Comment: The p.R525K variant (also known as c.1574G>A), located in coding exon 14 of the MRE11A gene, results from a G to A substitution at nucleotide position 1574. The arginine at codon 525 is replaced by lysine, an amino acid with highly similar properties. This amino acid position is highly conserved in available vertebrate species. In addition, this alteration is predicted to be tolerated by in silico analysis. Since supporting evidence is limited at this time, the clinical significance of this alteration remains unclear.

Baylor Genetics
Classification: Uncertain significance for Ataxia-telangiectasia-like disorder 1. Last evaluated: 2024-02-16. Review status: criteria provided, single submitter. Criteria: ACMG Guidelines, 2015. Collection method: clinical testing. Allele origin: unknown.

Counsyl
Classification: Uncertain significance for Ataxia-telangiectasia-like disorder 1. Last evaluated: 2016-10-11. Review status: no assertion criteria provided. Collection method: clinical testing. Allele origin: unknown. Not counted in ClinVar's aggregate classification.